The following is an entry in ClinVar:

NM_000170.3(GLDC):c.650G>T (p.Arg217Met)

Gene: GLDC (glycine decarboxylase; minus strand). Cytogenetic location: 9p24.1.
Variant type: single nucleotide variant.
Coding change: c.650G>T on transcript NM_000170.3 (MANE Select); coding-DNA position 650, G replaced by T.
Protein change: p.Arg217Met; replaces arginine 217 with methionine.
Molecular consequence: missense variant.
Genome position (GRCh38, 1-based): chr9:6,606,655, C>A on the plus strand (G>T on the coding strand, the complement: GLDC is on the minus strand). VCF-style: chr9-6606655-C-A. GRCh37 (hg19) VCF-style: chr9-6606655-C-A.
Other names: short protein forms R217M.
Identifiers: ClinVar variation 4747426 (VCV004747426.1).

ClinVar aggregate classification (germline): Uncertain significance (1 of 4 stars; one submission).

Conditions:
Glycine encephalopathy. Also called: Nonketotic hyperglycinemia; Non-ketotic hyperglycinemia. Identifiers: Orphanet 407, MedGen C0751748, MONDO:0011612, HP:0008288.

Submission:

Labcorp Genetics (formerly Invitae), Labcorp
Classification: Uncertain significance for Glycine encephalopathy. Last evaluated: 2025-04-26. Review status: criteria provided, single submitter. Criteria: Invitae Variant Classification Sherloc (09022015). Collection method: clinical testing. Allele origin: germline.
Comment: This sequence change replaces arginine, which is basic and polar, with methionine, which is neutral and non-polar, at codon 217 of the GLDC protein (p.Arg217Met). This variant is not present in population databases (gnomAD no frequency). This variant has not been reported in the literature in individuals affected with GLDC-related conditions. Invitae Evidence Modeling of protein sequence and biophysical properties (such as structural, functional, and spatial information, amino acid conservation, physicochemical variation, residue mobility, and thermodynamic stability) indicates that this missense variant is not expected to disrupt GLDC protein function with a negative predictive value of 80%. In summary, the available evidence is currently insufficient to determine the role of this variant in disease. Therefore, it has been classified as a Variant of Uncertain Significance.